The following is an entry in ClinVar:

ClinVar aggregate classification (germline): Uncertain significance (0 of 4 stars; one submission).

Conditions:
ITGB3-related disorder. Also called: ITGB3-related condition.

gnomAD v4.1: 2 of 1,614,178 alleles (0.00012%); highest among the groups gnomAD compares: Admixed American, 0.0017%; no homozygotes.

Submission:

PreventionGenetics, part of Exact Sciences
Classification: Uncertain significance for ITGB3-related condition. Last evaluated: 2024-08-31. Review status: no assertion criteria provided. Collection method: clinical testing. Allele origin: germline.
Comment: The ITGB3 c.2231T>G variant is predicted to result in the amino acid substitution p.Leu744Arg. To our knowledge, this variant has not been reported in the literature. This variant is reported in 0.0029% of alleles in individuals of Latino descent in gnomAD. At this time, the clinical significance of this variant is uncertain due to the absence of conclusive functional and genetic evidence.

NM_000212.3(ITGB3):c.2231T>G (p.Leu744Arg)

Genes: EFCAB13-DT (EFCAB13 divergent transcript; minus strand), ITGB3 (integrin subunit beta 3; plus strand). Cytogenetic location: 17q21.32.
Variant type: single nucleotide variant.
Coding change: c.2231T>G on transcript NM_000212.3 (MANE Select); coding-DNA position 2231, T replaced by G.
Protein change: p.Leu744Arg; replaces leucine 744 with arginine.
Molecular consequence: missense variant.
Genome position (GRCh38, 1-based): chr17:47,307,567, T>G. VCF-style: chr17-47307567-T-G. GRCh37 (hg19) VCF-style: chr17-45384933-T-G.
Other names: short protein forms L744R.
Identifiers: ClinVar variation 3346637 (VCV003346637.1).